The following is an entry in ClinVar:

ClinVar aggregate classification (germline): Pathogenic (1 of 4 stars; one submission).

Conditions:
Arrhythmogenic cardiomyopathy with wooly hair and keratoderma. Also called: Dilated cardiomyopathy with woolly hair and keratoderma; PALMOPLANTAR KERATODERMA WITH LEFT VENTRICULAR CARDIOMYOPATHY AND WOOLLY HAIR; Carvajal syndrome; Arrhythmogenic cardiomyopathy with woolly hair and keratoderma. Identifiers: Orphanet 65282, MedGen C1854063, MONDO:0011581, OMIM 605676.
Arrhythmogenic right ventricular dysplasia 8 (ARVD8). Also called: Arrhythmogenic Right Ventricular Dysplasia/Cardiomyopathy 8; ARRHYTHMOGENIC RIGHT VENTRICULAR DYSPLASIA, FAMILIAL, 8; ARRHYTHMOGENIC RIGHT VENTRICULAR CARDIOMYOPATHY 8. Identifiers: MedGen C1843896, MONDO:0011831, OMIM 607450.

Submission:

Labcorp Genetics (formerly Invitae), Labcorp
Classification: Pathogenic for Arrhythmogenic cardiomyopathy with wooly hair and keratoderma; Arrhythmogenic right ventricular dysplasia 8. Last evaluated: 2024-04-25. Review status: criteria provided, single submitter. Criteria: Invitae Variant Classification Sherloc (09022015). Collection method: clinical testing. Allele origin: germline.
Comment: This sequence change creates a premature translational stop signal (p.Tyr403*) in the DSP gene. It is expected to result in an absent or disrupted protein product. Loss-of-function variants in DSP are known to be pathogenic (PMID: 20716751, 24503780, 25227139). This variant is not present in population databases (gnomAD no frequency). This variant has not been reported in the literature in individuals affected with DSP-related conditions. ClinVar contains an entry for this variant (Variation ID: 1443627). For these reasons, this variant has been classified as Pathogenic.

Literature cited by the submitters: PubMed 20716751; PubMed 24503780; PubMed 25227139.

NM_004415.4(DSP):c.1209C>A (p.Tyr403Ter)

Gene: DSP (desmoplakin; plus strand). Cytogenetic location: 6p24.3.
Variant type: single nucleotide variant.
Coding change: c.1209C>A on transcript NM_004415.4 (MANE Select); coding-DNA position 1209, C replaced by A.
Protein change: p.Tyr403Ter; replaces tyrosine 403 with a stop codon.
Molecular consequence: nonsense.
Genome position (GRCh38, 1-based): chr6:7,567,849, C>A. VCF-style: chr6-7567849-C-A. GRCh37 (hg19) VCF-style: chr6-7568082-C-A.
Other names: c.1209C>A, p.Tyr403Ter (NM_001008844.3, NM_001319034.2); short protein forms Y403*.
Identifiers: ClinVar variation 1443627 (VCV001443627.6), dbSNP rs2113673248, ClinGen allele CA362676139.